The following is an entry in ClinVar:

NM_001033855.3(DCLRE1C):c.918-1G>A

Gene: DCLRE1C (DNA cross-link repair 1C; minus strand). Cytogenetic location: 10p13.
Variant type: single nucleotide variant.
Coding change: c.918-1G>A on transcript NM_001033855.3 (MANE Select); the canonical splice acceptor site of the intron before coding-DNA position 918, G replaced by A.
Molecular consequence: splice acceptor variant.
Genome position (GRCh38, 1-based): chr10:14,926,898, C>T on the plus strand (G>A on the coding strand, the complement: DCLRE1C is on the minus strand). VCF-style: chr10-14926898-C-T. GRCh37 (hg19) VCF-style: chr10-14968897-C-T.
Other names: c.573-1G>A (NM_001350966.2, NM_001289078.2, NM_001289076.2 and 1 more transcripts); c.918-1G>A (NM_001350965.2); c.558-1G>A (NM_001350967.2, NM_001289077.2, NM_001289079.2 and 2 more transcripts).
Identifiers: ClinVar variation 4715825 (VCV004715825.1).

ClinVar aggregate classification (germline): Likely pathogenic (1 of 4 stars; one submission).

Conditions:
Severe combined immunodeficiency due to DCLRE1C deficiency (RS-SCID). Also called: SCID, AUTOSOMAL RECESSIVE, T CELL-NEGATIVE, B CELL-NEGATIVE, NK CELL-POSITIVE, WITH SENSITIVITY TO IONIZING RADIATION. Identifiers: Orphanet 275, MedGen C1865371, MONDO:0011225, OMIM 602450.

gnomAD v4.1: 1 of 1,612,898 alleles (0.000062%); highest among the groups gnomAD compares: Non-Finnish European, 0.000085%; no homozygotes.

Submission:

Labcorp Genetics (formerly Invitae), Labcorp
Classification: Likely pathogenic for Athabaskan severe combined immunodeficiency. Last evaluated: 2025-03-24. Review status: criteria provided, single submitter. Criteria: Invitae Variant Classification Sherloc (09022015). Collection method: clinical testing. Allele origin: germline.
Comment: This sequence change affects an acceptor splice site in intron 10 of the DCLRE1C gene. It is expected to disrupt RNA splicing. Variants that disrupt the donor or acceptor splice site typically lead to a loss of protein function (PMID: 16199547), and loss-of-function variants in DCLRE1C are known to be pathogenic (PMID: 21664875, 26123418). This variant is not present in population databases (gnomAD no frequency). This variant has not been reported in the literature in individuals affected with DCLRE1C-related conditions. Algorithms developed to predict the effect of sequence changes on RNA splicing suggest that this variant may disrupt the consensus splice site. In summary, the currently available evidence indicates that the variant is pathogenic, but additional data are needed to prove that conclusively. Therefore, this variant has been classified as Likely Pathogenic.

Literature cited by the submitters: PubMed 16199547; PubMed 21664875; PubMed 26123418.